The following is an entry in ClinVar:

NM_032444.4(SLX4):c.1615G>A (p.Ala539Thr)

Gene: SLX4 (SLX4 structure-specific endonuclease subunit; minus strand). Cytogenetic location: 16p13.3.
Variant type: single nucleotide variant.
Coding change: c.1615G>A on transcript NM_032444.4 (MANE Select); coding-DNA position 1615, G replaced by A.
Protein change: p.Ala539Thr; replaces alanine 539 with threonine.
Molecular consequence: missense variant.
Genome position (GRCh38, 1-based): chr16:3,597,447, C>T on the plus strand (G>A on the coding strand, the complement: SLX4 is on the minus strand). VCF-style: chr16-3597447-C-T. GRCh37 (hg19) VCF-style: chr16-3647448-C-T.
Other names: short protein forms A539T.
Identifiers: ClinVar variation 807972 (VCV000807972.17), dbSNP rs772612094, ClinGen allele CA394528700.

ClinVar aggregate classification (germline): Uncertain significance (1 of 4 stars; one submission).

Conditions:
Fanconi anemia (FA). Also called: Fanconi's anemia. Identifiers: Orphanet 84, MedGen C0015625, MeSH D005199, MONDO:0019391.

Submission:

Labcorp Genetics (formerly Invitae), Labcorp
Classification: Uncertain significance for Fanconi anemia. Last evaluated: 2020-12-15. Review status: criteria provided, single submitter. Criteria: Invitae Variant Classification Sherloc (09022015). Collection method: clinical testing. Allele origin: germline.
Comment: In summary, the available evidence is currently insufficient to determine the role of this variant in disease. Therefore, it has been classified as a Variant of Uncertain Significance. Algorithms developed to predict the effect of missense changes on protein structure and function output the following: SIFT: "Tolerated"; PolyPhen-2: "Possibly Damaging"; Align-GVGD: "Class C0". The threonine amino acid residue is found in multiple mammalian species, suggesting that this missense change does not adversely affect protein function. These predictions have not been confirmed by published functional studies and their clinical significance is uncertain. This variant has not been reported in the literature in individuals with SLX4-related conditions. ClinVar contains an entry for this variant (Variation ID: 807972). This variant is not present in population databases (ExAC no frequency). This sequence change replaces alanine with threonine at codon 539 of the SLX4 protein (p.Ala539Thr). The alanine residue is moderately conserved and there is a small physicochemical difference between alanine and threonine.